The following is an entry in ClinVar:

ClinVar aggregate classification (germline): Uncertain significance. Review status: criteria provided, multiple submitters, no conflicts (2 of 4 stars). 2 submissions from 2 submitters: Uncertain significance (2). Last evaluated 2024-10-25.

Submissions (2):

Ambry Genetics
Classification: Uncertain significance. Last evaluated: 2024-10-25. Review status: criteria provided, single submitter. Criteria: Ambry Variant Classification Scheme 2023. Collection method: clinical testing. Allele origin: germline.

CeGaT Center for Human Genetics Tuebingen
Classification: Uncertain significance. Last evaluated: 2024-09-01. Review status: criteria provided, single submitter. Criteria: CeGaT Center For Human Genetics Tuebingen Variant Classification Criteria Version 2. Collection method: clinical testing. Allele origin: germline. Affected: yes. Observed: 1 variant allele.
Comment: CFAP69: PM2, BP4

NM_001039706.3(CFAP69):c.2455T>C (p.Tyr819His)

Gene: CFAP69 (cilia and flagella associated protein 69; plus strand). Cytogenetic location: 7q21.13.
Variant type: single nucleotide variant.
Coding change: c.2455T>C on transcript NM_001039706.3 (MANE Select); coding-DNA position 2455, T replaced by C.
Protein change: p.Tyr819His; replaces tyrosine 819 with histidine.
Molecular consequence: missense variant. On other transcripts: intron variant (1).
Genome position (GRCh38, 1-based): chr7:90,307,090, T>C. VCF-style: chr7-90307090-T-C. GRCh37 (hg19) VCF-style: chr7-89936404-T-C.
Other names: c.2455T>C (NM_001039706.2); c.2401T>C, p.Tyr801His (NM_001160138.2); c.2266-678T>C (NM_001363438.1); short protein forms Y801H, Y819H.
Identifiers: ClinVar variation 3389017 (VCV003389017.15).
Genomic context (GRCh38, chr7:90,307,090, plus strand): 5'-CTGCAAAGTGATATAATTGAAAGCCAAGCATGCCAAGACATGCAAAATGAACAAAAAGTA[T>C]ATGCAAAAGTAAGCTACATAGGTAGTGAGGAGGGAGAATGAAGATAGGTTGGTTAATGGG-3'
Protein context (NP_001034795.2, residues 809-829): CQDMQNEQKV[Tyr819His]AKIQATHKQR